The following is an entry in ClinVar:

NM_001184.4(ATR):c.4214T>G (p.Leu1405Arg)

Gene: ATR (ATR checkpoint kinase; minus strand). Cytogenetic location: 3q23.
Variant type: single nucleotide variant.
Coding change: c.4214T>G on transcript NM_001184.4 (MANE Select); coding-DNA position 4214, T replaced by G.
Protein change: p.Leu1405Arg; replaces leucine 1405 with arginine.
Molecular consequence: missense variant.
Genome position (GRCh38, 1-based): chr3:142,522,780, A>C on the plus strand (T>G on the coding strand, the complement: ATR is on the minus strand). VCF-style: chr3-142522780-A-C. GRCh37 (hg19) VCF-style: chr3-142241622-A-C.
Other names: c.4022T>G, p.Leu1341Arg (NM_001354579.2); short protein forms L1341R, L1405R.
Identifiers: ClinVar variation 4735304 (VCV004735304.1).

ClinVar aggregate classification (germline): Uncertain significance (1 of 4 stars; one submission).

Submission:

Labcorp Genetics (formerly Invitae), Labcorp
Classification: Uncertain significance. Last evaluated: 2026-01-13. Review status: criteria provided, single submitter. Criteria: Invitae Variant Classification Sherloc (09022015). Collection method: clinical testing. Allele origin: germline.
Comment: This sequence change replaces leucine, which is neutral and non-polar, with arginine, which is basic and polar, at codon 1405 of the ATR protein (p.Leu1405Arg). This variant is not present in population databases (gnomAD no frequency). This variant has not been reported in the literature in individuals affected with ATR-related conditions. An algorithm developed to predict the effect of missense changes on protein structure and function (PolyPhen-2) suggests that this variant is likely to be disruptive. In summary, the available evidence is currently insufficient to determine the role of this variant in disease. Therefore, it has been classified as a Variant of Uncertain Significance.